The following is an entry in ClinVar:

NM_001367624.2(ZNF469):c.1543G>A (p.Gly515Arg)

Gene: ZNF469 (zinc finger protein 469; plus strand). Cytogenetic location: 16q24.2.
Variant type: single nucleotide variant.
Coding change: c.1543G>A on transcript NM_001367624.2 (MANE Select); coding-DNA position 1543, G replaced by A.
Protein change: p.Gly515Arg; replaces glycine 515 with arginine.
Molecular consequence: missense variant.
Genome position (GRCh38, 1-based): chr16:88,429,013, G>A. VCF-style: chr16-88429013-G-A. GRCh37 (hg19) VCF-style: chr16-88495421-G-A.
Other names: short protein forms G515R.
Identifiers: ClinVar variation 430487 (VCV000430487.4), dbSNP rs1131691990, ClinGen allele CA397067576.
Genomic context (GRCh38, chr16:88,429,013, plus strand): 5'-CCCCACGGAATGGAGATGCTGAGCCGGCTGCCTTTCCCCGCGGGGGGCCCCGAGTGGCAG[G>A]GGGGCAGCCAAGGAGCCCTGGGCACTGCTGGCAAGACACCGGGACCCAGAGAGAAGCTGC-3'
Protein context (NP_001354553.1, residues 505-525): PFPAGGPEWQ[Gly515Arg]GSQGALGTAG

ClinVar aggregate classification (germline): Uncertain significance. Review status: criteria provided, multiple submitters, no conflicts (2 of 4 stars). 3 submissions from 3 submitters: Uncertain significance (3). Last evaluated 2025-04-03.

Allele frequency attached by ClinVar (database versions not stated): gnomAD exomes 0.00001 and below 0.00001; gnomAD 0.00002; TOPMed 0.00002.
gnomAD v4.1: 8 of 1,549,274 alleles (0.00052%); highest among the groups gnomAD compares: African/African-American, 0.0041%; no homozygotes.

Submissions (3):

Women's Health and Genetics/Laboratory Corporation of America, LabCorp
Classification: Uncertain significance. Last evaluated: 2025-04-03. Review status: criteria provided, single submitter. Criteria: LabCorp Variant Classification Summary - May 2015. Collection method: clinical testing. Allele origin: germline.
Comment: Variant summary: ZNF469 c.1543G>A (p.Gly515Arg) results in a non-conservative amino acid change in the encoded protein sequence. Two of four in-silico tools predict a benign effect of the variant on protein function. The variant allele was found at a frequency of 7e-06 in 142968 control chromosomes. The available data on variant occurrences in the general population are insufficient to allow any conclusion about variant significance. To our knowledge, no occurrence of c.1543G>A in individuals affected with Brittle cornea syndrome 1 and no experimental evidence demonstrating its impact on protein function have been reported. ClinVar contains an entry for this variant (Variation ID: 430487). Based on the evidence outlined above, the variant was classified as uncertain significance.

Blueprint Genetics
Classification: Uncertain significance. Last evaluated: 2021-10-28. Review status: criteria provided, single submitter. Criteria: ACMG Guidelines, 2015. Collection method: clinical testing. Allele origin: germline.

GeneDx
Classification: Uncertain significance. Last evaluated: 2017-05-26. Review status: criteria provided, single submitter. Criteria: GeneDx Variant Classification (06012015). Collection method: clinical testing. Allele origin: germline. Affected: yes.
Comment: A variant of uncertain significance has been identified in the ZNF469 gene. The G515R variant has not been published as pathogenic or been reported as benign to our knowledge. This variant is not observed in large population cohorts (Lek et al., 2016; 1000 Genomes Consortium et al., 2015; Exome Variant Server). The G515R variant is a non-conservative amino acid substitution, which is likely to impact secondary protein structure as these residues differ in polarity, charge, size and/or other properties. Nevertheless, this substitution occurs at a position that is not conserved. Furthermore, in silico analysis is inconsistent in its predictions as to whether or not the variant is damaging to the protein structure/function.